The following is an entry in ClinVar:

ClinVar aggregate classification (germline): Likely pathogenic (1 of 4 stars; one submission).

Submission:

Labcorp Genetics (formerly Invitae), Labcorp
Classification: Likely pathogenic. Last evaluated: 2023-09-23. Review status: criteria provided, single submitter. Criteria: Invitae Variant Classification Sherloc (09022015). Collection method: clinical testing. Allele origin: germline.
Comment: In summary, the currently available evidence indicates that the variant is pathogenic, but additional data are needed to prove that conclusively. Therefore, this variant has been classified as Likely Pathogenic. Experimental studies have shown that this missense change affects SLC19A2 function (PMID: 17331069). Advanced modeling of protein sequence and biophysical properties (such as structural, functional, and spatial information, amino acid conservation, physicochemical variation, residue mobility, and thermodynamic stability) performed at Invitae indicates that this missense variant is expected to disrupt SLC19A2 protein function. This missense change has been observed in individual(s) with Thiamine-responsive megaloblastic anaemia (PMID: 16373304). This variant is not present in population databases (gnomAD no frequency). This sequence change replaces threonine, which is neutral and polar, with arginine, which is basic and polar, at codon 158 of the SLC19A2 protein (p.Thr158Arg).

Literature cited by the submitters: PubMed 17331069; PubMed 16373304.

NM_006996.3(SLC19A2):c.473C>G (p.Thr158Arg)

Gene: SLC19A2 (solute carrier family 19 member 2; minus strand). Cytogenetic location: 1q24.2.
Variant type: single nucleotide variant.
Coding change: c.473C>G on transcript NM_006996.3 (MANE Select); coding-DNA position 473, C replaced by G.
Protein change: p.Thr158Arg; replaces threonine 158 with arginine.
Molecular consequence: missense variant. On other transcripts: intron variant (1).
Genome position (GRCh38, 1-based): chr1:169,477,489, G>C on the plus strand (C>G on the coding strand, the complement: SLC19A2 is on the minus strand). VCF-style: chr1-169477489-G-C. GRCh37 (hg19) VCF-style: chr1-169446727-G-C.
Other names: c.205-7303C>G (NM_001319667.1); short protein forms T158R.
Identifiers: ClinVar variation 2734019 (VCV002734019.3), dbSNP rs2526257147, ClinGen allele CA343110406.